The following is an entry in ClinVar:

ClinVar aggregate classification (germline): Uncertain significance (1 of 4 stars; one submission).

gnomAD v4.1: 8 of 1,560,448 alleles (0.00051%); highest among the groups gnomAD compares: Non-Finnish European, 0.00061%; no homozygotes.

Submission:

Labcorp Genetics (formerly Invitae), Labcorp
Classification: Uncertain significance. Last evaluated: 2024-12-04. Review status: criteria provided, single submitter. Criteria: Invitae Variant Classification Sherloc (09022015). Collection method: clinical testing. Allele origin: germline.
Comment: This sequence change replaces phenylalanine, which is neutral and non-polar, with leucine, which is neutral and non-polar, at codon 79 of the LONP1 protein (p.Phe79Leu). This variant is not present in population databases (gnomAD no frequency). This variant has not been reported in the literature in individuals affected with LONP1-related conditions. Invitae Evidence Modeling of protein sequence and biophysical properties (such as structural, functional, and spatial information, amino acid conservation, physicochemical variation, residue mobility, and thermodynamic stability) indicates that this missense variant is not expected to disrupt LONP1 protein function with a negative predictive value of 95%. In summary, the available evidence is currently insufficient to determine the role of this variant in disease. Therefore, it has been classified as a Variant of Uncertain Significance.

NM_004793.4(LONP1):c.237C>G (p.Phe79Leu)

Gene: LONP1 (lon peptidase 1, mitochondrial; minus strand). Cytogenetic location: 19p13.3.
Variant type: single nucleotide variant.
Coding change: c.237C>G on transcript NM_004793.4 (MANE Select); coding-DNA position 237, C replaced by G.
Protein change: p.Phe79Leu; replaces phenylalanine 79 with leucine.
Molecular consequence: missense variant. On other transcripts: intron variant (2).
Genome position (GRCh38, 1-based): chr19:5,719,896, G>C on the plus strand (C>G on the coding strand, the complement: LONP1 is on the minus strand). VCF-style: chr19-5719896-G-C. GRCh37 (hg19) VCF-style: chr19-5719907-G-C.
Other names: c.-160+323C>G (NM_001276480.1); c.125-80C>G (NM_001276479.2); short protein forms F79L.
Identifiers: ClinVar variation 3716816 (VCV003716816.2).